The following is an entry in ClinVar:

ClinVar aggregate classification (germline): Uncertain significance (1 of 4 stars; one submission).

Conditions:
Hereditary cancer-predisposing syndrome. Also called: Neoplastic Syndromes, Hereditary; Tumor predisposition; Hereditary Cancer Syndrome; Hereditary neoplastic syndrome. Identifiers: Orphanet 140162, MedGen C0027672, MeSH D009386, MONDO:0015356.

Submission:

Ambry Genetics
Classification: Uncertain significance for Hereditary cancer-predisposing syndrome. Last evaluated: 2026-04-10. Review status: criteria provided, single submitter. Criteria: Ambry Variant Classification Scheme 2023. Collection method: clinical testing. Allele origin: germline.
Comment: The c.3375_3376delCGinsAC variant, located in coding exon 21 of the ALK gene, results from an in-frame deletion of CG and insertion of AC at nucleotide positions 3375 to 3376. This results in the substitution of the alanine residue for a proline residue at codon 1126, an amino acid with highly similar properties. This amino acid position is highly conserved in available vertebrate species. In addition, this variant is predicted to be deleterious by in silico analysis. Based on the available evidence, the clinical significance of this variant remains unclear.

NM_004304.5(ALK):c.3375_3376delinsAC (p.Ala1126Pro)

Gene: ALK (ALK receptor tyrosine kinase; minus strand). Cytogenetic location: 2p23.2.
Variant type: Indel.
Coding change: c.3375_3376delinsAC on transcript NM_004304.5 (MANE Select); coding-DNA positions 3375 to 3376, CG replaced by AC.
Protein change: p.Ala1126Pro; replaces alanine 1126 with proline.
Molecular consequence: missense variant.
Genome position (GRCh38, 1-based): chr2:29,222,591-29,222,592, CG replaced by GT on the plus strand (CG replaced by AC on the coding strand, the reverse complement: ALK is on the minus strand). VCF-style: chr2-29222591-CG-GT. GRCh37 (hg19) VCF-style: chr2-29445457-CG-GT.
Other names: c.171_172delinsAC, p.Ala58Pro (NM_001353765.2); short protein forms A1126P, A58P.
Identifiers: ClinVar variation 4869830 (VCV004869830.1).
Genomic context (GRCh38, chr2:29,222,591, plus strand): 5'-GCAGGGGGCTTGGGTCGTTGGGCATTCCGGACACCTGGCCTTCATACACCTCCCCAAAGG[CG>GT]CCATGGCCCAGACCCCTGTGCAAAGGAGAAGACAAGAGGAGACAGAGTCAAACAGGCCAC-3'
Protein context (NP_004295.2, residues 1116-1136): ITLIRGLGHG[Ala1126Pro]FGEVYEGQVS